The following is an entry in ClinVar:

ClinVar aggregate classification (germline): Uncertain significance (1 of 4 stars; one submission).

Conditions:
Intellectual disability, autosomal recessive 53 (NEDHSCA). Also called: GLYCOSYLPHOSPHATIDYLINOSITOL BIOSYNTHESIS DEFECT 13; Mental retardation, autosomal recessive 53; NEURODEVELOPMENTAL DISORDER WITH OR WITHOUT HYPOTONIA, SEIZURES, AND CEREBELLAR ATROPHY. Identifiers: Orphanet 488635, MedGen C4310794, MONDO:0014832, OMIM 616917.

Allele frequency attached by ClinVar (database versions not stated): gnomAD exomes below 0.00001; TOPMed below 0.00001.
gnomAD v4.1: 3 of 1,611,082 alleles (0.00019%); highest among the groups gnomAD compares: Non-Finnish European, 0.00025%; no homozygotes.

Submission:

Labcorp Genetics (formerly Invitae), Labcorp
Classification: Uncertain significance for Intellectual disability, autosomal recessive 53. Last evaluated: 2024-02-24. Review status: criteria provided, single submitter. Criteria: Invitae Variant Classification Sherloc (09022015). Collection method: clinical testing. Allele origin: germline.
Comment: This sequence change replaces methionine, which is neutral and non-polar, with isoleucine, which is neutral and non-polar, at codon 975 of the PIGG protein (p.Met975Ile). This variant is not present in population databases (gnomAD no frequency). This variant has not been reported in the literature in individuals affected with PIGG-related conditions. ClinVar contains an entry for this variant (Variation ID: 1508790). An algorithm developed to predict the effect of missense changes on protein structure and function (PolyPhen-2) suggests that this variant is likely to be tolerated. In summary, the available evidence is currently insufficient to determine the role of this variant in disease. Therefore, it has been classified as a Variant of Uncertain Significance.

NM_001127178.3(PIGG):c.2925G>A (p.Met975Ile)

Gene: PIGG (phosphatidylinositol glycan anchor biosynthesis class G (EMM blood group); plus strand). Cytogenetic location: 4p16.3.
Variant type: single nucleotide variant.
Coding change: c.2925G>A on transcript NM_001127178.3 (MANE Select); coding-DNA position 2925, G replaced by A.
Protein change: p.Met975Ile; replaces methionine 975 with isoleucine.
Molecular consequence: missense variant. On other transcripts: non-coding transcript variant (10).
Genome position (GRCh38, 1-based): chr4:539,342, G>A. VCF-style: chr4-539342-G-A. GRCh37 (hg19) VCF-style: chr4-533131-G-A.
Other names: c.2901G>A, p.Met967Ile (NM_017733.5); c.2658G>A, p.Met886Ile (NM_001289051.2, NM_001345986.2); c.2526G>A, p.Met842Ile (NM_001289052.2); c.2634G>A, p.Met878Ile (NM_001345987.2); c.1896G>A, p.Met632Ile (NM_001345988.2); c.1392G>A, p.Met464Ile (NM_001345990.2, NM_001345991.2); c.1827G>A, p.Met609Ile (NM_001345994.2); short protein forms M464I, M842I, M878I, M609I, M886I, M967I, M632I, M975I.
Identifiers: ClinVar variation 1508790 (VCV001508790.8), dbSNP rs1731527446, ClinGen allele CA355914940.